The following is an entry in ClinVar:

NM_000834.5(GRIN2B):c.1955C>G (p.Ala652Gly)

Gene: GRIN2B (glutamate ionotropic receptor NMDA type subunit 2B; minus strand). Cytogenetic location: 12p13.1.
Variant type: single nucleotide variant.
Coding change: c.1955C>G on transcript NM_000834.5 (MANE Select); coding-DNA position 1955, C replaced by G.
Protein change: p.Ala652Gly; replaces alanine 652 with glycine.
Molecular consequence: missense variant.
Genome position (GRCh38, 1-based): chr12:13,608,658, G>C on the plus strand (C>G on the coding strand, the complement: GRIN2B is on the minus strand). VCF-style: chr12-13608658-G-C. GRCh37 (hg19) VCF-style: chr12-13761592-G-C.
Other names: short protein forms A652G.
Identifiers: ClinVar variation 245714 (VCV000245714.2), dbSNP rs879253912, ClinGen allele CA10584426.

ClinVar aggregate classification (germline): Likely pathogenic (1 of 4 stars; one submission).

Submission:

GeneDx
Classification: Likely pathogenic. Last evaluated: 2016-12-21. Review status: criteria provided, single submitter. Criteria: GeneDx Variant Classification (06012015). Collection method: clinical testing. Allele origin: germline. Affected: yes.
Comment: An variant that is likely pathogenic has been identified in the GRIN2B gene. The A652G variant has not been published as a pathogenic variant, nor has it been reported as a benign variant to our knowledge. It was not observed in approximately 6,500 individuals of European and African American ancestry in the NHLBI Exome Sequencing Project, indicating it is not a common benign variant in these populations. The A652G variant is a conservative amino acid substitution, which is not likely to impact secondary protein structure as these residues share similar properties. However, this substitution alters a highly conserved position predicted to be within the pore domain of the GRIN2B protein. In silico analysis predicts this variant is probably damaging to the protein structure/function. Therefore, we now interpret A652G as a likely pathogenic variant; however, the possibility that it is benign cannot be excluded.